The following is an entry in ClinVar:

NM_005060.4(RORC):c.469C>A (p.Gln157Lys)

Gene: RORC (RAR related orphan receptor C; minus strand). Cytogenetic location: 1q21.3.
Variant type: single nucleotide variant.
Coding change: c.469C>A on transcript NM_005060.4 (MANE Select); coding-DNA position 469, C replaced by A.
Protein change: p.Gln157Lys; replaces glutamine 157 with lysine.
Molecular consequence: missense variant.
Genome position (GRCh38, 1-based): chr1:151,815,255, G>T on the plus strand (C>A on the coding strand, the complement: RORC is on the minus strand). VCF-style: chr1-151815255-G-T. GRCh37 (hg19) VCF-style: chr1-151787731-G-T.
Other names: c.406C>A, p.Gln136Lys (NM_001001523.2); short protein forms Q136K, Q157K.
Identifiers: ClinVar variation 3434847 (VCV003434847.2).

ClinVar aggregate classification (germline): Uncertain significance. Review status: criteria provided, multiple submitters, no conflicts (2 of 4 stars). 2 submissions from 2 submitters: Uncertain significance (2). Last evaluated 2025-02-27.

Conditions:
Inborn genetic diseases. Identifiers: MedGen C0950123, MeSH D030342.
Autosomal recessive mendelian susceptibility to mycobacterial diseases due to complete RORgamma receptor deficiency. Also called: Immunodeficiency 42. Identifiers: Orphanet 477857, MedGen C5567647, MONDO:0014710, OMIM 616622.

gnomAD v4.1: 3 of 1,609,966 alleles (0.00019%); highest among the groups gnomAD compares: Non-Finnish European, 0.00025%; no homozygotes.

Submissions (2):

Labcorp Genetics (formerly Invitae), Labcorp
Classification: Uncertain significance for Autosomal recessive mendelian susceptibility to mycobacterial diseases due to complete RORgamma receptor deficiency. Last evaluated: 2025-02-27. Review status: criteria provided, single submitter. Criteria: Invitae Variant Classification Sherloc (09022015). Collection method: clinical testing. Allele origin: germline.
Comment: This sequence change replaces glutamine, which is neutral and polar, with lysine, which is basic and polar, at codon 157 of the RORC protein (p.Gln157Lys). This variant is not present in population databases (gnomAD no frequency). This variant has not been reported in the literature in individuals affected with RORC-related conditions. ClinVar contains an entry for this variant (Variation ID: 3434847). An algorithm developed to predict the effect of missense changes on protein structure and function (PolyPhen-2) suggests that this variant is likely to be tolerated. In summary, the available evidence is currently insufficient to determine the role of this variant in disease. Therefore, it has been classified as a Variant of Uncertain Significance.

Ambry Genetics
Classification: Uncertain significance for Inborn genetic diseases. Last evaluated: 2024-07-09. Review status: criteria provided, single submitter. Criteria: Ambry Variant Classification Scheme 2023. Collection method: clinical testing. Allele origin: germline.